The following is an entry in ClinVar:

NM_000435.3(NOTCH3):c.931T>G (p.Cys311Gly)

Gene: NOTCH3 (notch receptor 3; minus strand). Cytogenetic location: 19p13.12.
Variant type: single nucleotide variant.
Coding change: c.931T>G on transcript NM_000435.3 (MANE Select); coding-DNA position 931, T replaced by G.
Protein change: p.Cys311Gly; replaces cysteine 311 with glycine.
Molecular consequence: missense variant.
Genome position (GRCh38, 1-based): chr19:15,191,529, A>C on the plus strand (T>G on the coding strand, the complement: NOTCH3 is on the minus strand). VCF-style: chr19-15191529-A-C. GRCh37 (hg19) VCF-style: chr19-15302340-A-C.
Other names: short protein forms C311G.
Identifiers: ClinVar variation 2856771 (VCV002856771.4), dbSNP rs781158121, ClinGen allele CA9263753.
Genomic context (GRCh38, chr19:15,191,529, plus strand): 5'-CATGGCAGGTGGCCCCATGGAAGCACACGGCTGTGGCACAGTCATCGATATTCTGACTGC[A>C]GCTCTCGCCTGTCCAGCCATTGACACACACGCAGCTGTGGCCACCCAGCGTGTTGAAGCA-3'
Protein context (NP_000426.2, residues 301-321): VCVNGWTGES[Cys311Gly]SQNIDDCATA

ClinVar aggregate classification (germline): Conflicting classifications of pathogenicity. Review status: criteria provided, conflicting classifications (1 of 4 stars). 2 submissions from 2 submitters: Pathogenic (1); Uncertain significance (1). Last evaluated 2023-11-27.

Allele frequency attached by ClinVar (database versions not stated): ExAC 0.00001.
gnomAD v4.1: 1 of 1,613,300 alleles (0.000062%); no homozygotes.

Submissions (2):

Labcorp Genetics (formerly Invitae), Labcorp
Classification: Pathogenic. Last evaluated: 2023-11-27. Review status: criteria provided, single submitter. Criteria: Invitae Variant Classification Sherloc (09022015). Collection method: clinical testing. Allele origin: germline.
Comment: This sequence change replaces cysteine, which is neutral and slightly polar, with glycine, which is neutral and non-polar, at codon 311 of the NOTCH3 protein (p.Cys311Gly). This variant is not present in population databases (gnomAD no frequency). This missense change has been observed in individuals with cerebral arteriopathy with subcortical infarcts and leukoencephalopathy and/or NOTCH3-related conditions (PMID: 36086804; Invitae). It has also been observed to segregate with disease in related individuals. Advanced modeling of protein sequence and biophysical properties (such as structural, functional, and spatial information, amino acid conservation, physicochemical variation, residue mobility, and thermodynamic stability) performed at Invitae indicates that this missense variant is expected to disrupt NOTCH3 protein function with a positive predictive value of 95%. This variant disrupts the p.Cys311 amino acid residue in NOTCH3. Other variant(s) that disrupt this residue have been observed in individuals with NOTCH3-related conditions (PMID: 31347574), which suggests that this may be a clinically significant amino acid residue. For these reasons, this variant has been classified as Pathogenic.

Blueprint Genetics
Classification: Uncertain significance. Last evaluated: 2022-06-13. Review status: criteria provided, single submitter. Criteria: ACMG Guidelines, 2015. Collection method: clinical testing. Allele origin: germline.

Literature cited by the submitters: PubMed 36086804 (cited by Labcorp Genetics (formerly Invitae), Labcorp); PubMed 31347574 (cited by Labcorp Genetics (formerly Invitae), Labcorp).